The following is an entry in ClinVar:

NM_017780.4(CHD7):c.7155G>T (p.Gln2385His)

Gene: CHD7 (chromodomain helicase DNA binding protein 7; plus strand). Cytogenetic location: 8q12.2.
Variant type: single nucleotide variant.
Coding change: c.7155G>T on transcript NM_017780.4 (MANE Select); coding-DNA position 7155, G replaced by T.
Protein change: p.Gln2385His; replaces glutamine 2385 with histidine.
Molecular consequence: missense variant. On other transcripts: intron variant (1).
Genome position (GRCh38, 1-based): chr8:60,856,193, G>T. VCF-style: chr8-60856193-G-T. GRCh37 (hg19) VCF-style: chr8-61768752-G-T.
Other names: c.1717-6036G>T (NM_001316690.1); short protein forms Q2385H.
Identifiers: ClinVar variation 2446146 (VCV002446146.1), dbSNP rs867921812, ClinGen allele CA177321237.

ClinVar aggregate classification (germline): Uncertain significance (1 of 4 stars; one submission).

Allele frequency attached by ClinVar (database versions not stated): gnomAD exomes below 0.00001.

Submission:

GeneDx
Classification: Uncertain significance. Last evaluated: 2022-09-27. Review status: criteria provided, single submitter. Criteria: GeneDx Variant Classification Process June 2021. Collection method: clinical testing. Allele origin: germline. Affected: yes.
Comment: Not observed at significant frequency in large population cohorts (gnomAD); In silico analysis supports that this missense variant has a deleterious effect on protein structure/function; Has not been previously published as pathogenic or benign to our knowledge